The following is an entry in ClinVar:

NM_000051.4(ATM):c.526C>T (p.Leu176=)

Gene: ATM (ATM serine/threonine kinase; plus strand). Cytogenetic location: 11q22.3.
Variant type: single nucleotide variant.
Coding change: c.526C>T on transcript NM_000051.4 (MANE Select); coding-DNA position 526, C replaced by T.
Protein change: p.Leu176=; no amino-acid change (leucine 176 retained).
Molecular consequence: synonymous variant.
Genome position (GRCh38, 1-based): chr11:108,243,982, C>T. VCF-style: chr11-108243982-C-T. GRCh37 (hg19) VCF-style: chr11-108114709-C-T.
Other names: c.526C>T, p.Leu176= (NM_001351834.2).
Identifiers: ClinVar variation 630748 (VCV000630748.12), dbSNP rs375798802, ClinGen allele CA476671403.

ClinVar aggregate classification (germline): Benign/Likely benign. Review status: criteria provided, multiple submitters, no conflicts (2 of 4 stars). 4 submissions from 4 submitters: Benign (1); Likely benign (3). Last evaluated 2024-04-19.

Conditions:
Hereditary cancer-predisposing syndrome. Also called: Hereditary Cancer Syndrome; Neoplastic Syndromes, Hereditary; Tumor predisposition; Hereditary neoplastic syndrome. Identifiers: Orphanet 140162, MedGen C0027672, MeSH D009386, MONDO:0015356.
Familial cancer of breast. Also called: BREAST CANCER, FAMILIAL; hereditary breast carcinoma; Hereditary breast cancer. Identifiers: Orphanet 227535, MedGen C0346153, MONDO:0016419, OMIM 114480. Disease mechanism: loss of function.
Ataxia-telangiectasia syndrome (AT). Also called: Ataxia-telangiectasia, complementation group D; AT, COMPLEMENTATION GROUP C; Ataxia-telangiectasia; ATAXIA-TELANGIECTASIA, COMPLEMENTATION GROUP A; ATAXIA-TELANGIECTASIA, FRESNO VARIANT; LOUIS-BAR SYNDROME. Identifiers: Orphanet 100, MedGen C0004135, MONDO:0008840, OMIM 208900.

Submissions (4):

Myriad Genetics, Inc.
Classification: Benign for Familial cancer of breast. Last evaluated: 2024-04-19. Review status: criteria provided, single submitter. Criteria: Myriad Autosomal Dominant, Autosomal Recessive and X-Linked Classification Criteria (2023). Collection method: clinical testing. Allele origin: unknown.
Comment: This variant is considered benign. This variant is a silent/synonymous amino acid change and it is not expected to impact splicing.

Labcorp Genetics (formerly Invitae), Labcorp
Classification: Likely benign for Ataxia-telangiectasia syndrome. Last evaluated: 2023-06-09. Review status: criteria provided, single submitter. Criteria: Invitae Variant Classification Sherloc (09022015). Collection method: clinical testing. Allele origin: germline.

Ambry Genetics
Classification: Likely benign for Hereditary cancer-predisposing syndrome. Last evaluated: 2019-10-17. Review status: criteria provided, single submitter. Criteria: Ambry Variant Classification Scheme 2023. Collection method: clinical testing. Allele origin: germline.

Color Diagnostics, LLC DBA Color Health
Classification: Likely benign for Hereditary cancer-predisposing syndrome. Last evaluated: 2017-11-07. Review status: criteria provided, single submitter. Criteria: ACMG Guidelines, 2015. Collection method: clinical testing. Allele origin: germline.